The following is an entry in ClinVar:

ClinVar aggregate classification (germline): Uncertain significance (1 of 4 stars; one submission).

Conditions:
Epidermolysis bullosa simplex 5B, with muscular dystrophy (EBS5B). Also called: EPIDERMOLYSIS BULLOSA SIMPLEX AND LIMB-GIRDLE MUSCULAR DYSTROPHY; Epidermolysis bullosa simplex with muscular dystrophy. Identifiers: Orphanet 257, MedGen C2931072, MONDO:0009181, OMIM 226670.
Epidermolysis bullosa simplex, Ogna type (EBS5A). Also called: EPIDERMOLYSIS BULLOSA SIMPLEX 5A, OGNA TYPE; Pidermolysis bullosa simplex 5A, Ogna type. Identifiers: Orphanet 79401, MedGen C0432317, MONDO:0007555, OMIM 131950.
Epidermolysis bullosa simplex 5C, with pyloric atresia (EBS5C). Also called: Epidermolysis bullosa simplex with pyloric atresia; PLEC-Related Epidermolysis Bullosa with Pyloric Atresia; PLEC1-Related Epidermolysis Bullosa with Pyloric Atresia. Identifiers: Orphanet 158684, MedGen C2677349, MONDO:0012807, OMIM 612138.
Autosomal recessive limb-girdle muscular dystrophy type 2Q (LGMDR17). Also called: MUSCULAR DYSTROPHY, LIMB-GIRDLE, AUTOSOMAL RECESSIVE 17. Identifiers: Orphanet 254361, MedGen C3150989, MONDO:0013390, OMIM 613723.
Epidermolysis bullosa simplex with nail dystrophy (EBS5D). Identifiers: MedGen C4225309, MONDO:0014661, OMIM 616487.

Allele frequency attached by ClinVar (database versions not stated): ExAC below 0.00001; gnomAD 0.00001; gnomAD exomes 0.00001; TOPMed 0.00001.
gnomAD v4.1: 25 of 1,538,952 alleles (0.0016%); highest among the groups gnomAD compares: Admixed American, 0.0019%; no homozygotes.

Submission:

Labcorp Genetics (formerly Invitae), Labcorp
Classification: Uncertain significance for Autosomal recessive limb-girdle muscular dystrophy type 2Q; Epidermolysis bullosa simplex, Ogna type; Epidermolysis bullosa simplex with nail dystrophy; Epidermolysis bullosa simplex 5C, with pyloric atresia; Epidermolysis bullosa simplex 5B, with muscular dystrophy. Last evaluated: 2023-12-10. Review status: criteria provided, single submitter. Criteria: Invitae Variant Classification Sherloc (09022015). Collection method: clinical testing. Allele origin: germline.
Comment: This sequence change replaces arginine, which is basic and polar, with histidine, which is basic and polar, at codon 1735 of the PLEC protein (p.Arg1735His). The frequency data for this variant in the population databases is considered unreliable, as metrics indicate poor data quality at this position in the gnomAD database. This variant has not been reported in the literature in individuals affected with PLEC-related conditions. ClinVar contains an entry for this variant (Variation ID: 1018674). Experimental studies and prediction algorithms are not available or were not evaluated, and the functional significance of this variant is currently unknown. In summary, the available evidence is currently insufficient to determine the role of this variant in disease. Therefore, it has been classified as a Variant of Uncertain Significance.

NM_201384.3(PLEC):c.5123G>A (p.Arg1708His)

Gene: PLEC (plectin; minus strand). Cytogenetic location: 8q24.3.
Variant type: single nucleotide variant.
Coding change: c.5123G>A on transcript NM_201384.3 (MANE Select); coding-DNA position 5123, G replaced by A.
Protein change: p.Arg1708His; replaces arginine 1708 with histidine.
Molecular consequence: missense variant.
Genome position (GRCh38, 1-based): chr8:143,924,806, C>T on the plus strand (G>A on the coding strand, the complement: PLEC is on the minus strand). VCF-style: chr8-143924806-C-T. GRCh37 (hg19) VCF-style: chr8-144998974-C-T.
Other names: c.5204G>A, p.Arg1735His (NM_000445.5); c.5081G>A, p.Arg1694His (NM_201378.4); c.5057G>A, p.Arg1686His (NM_201379.3); c.5534G>A, p.Arg1845His (NM_201380.4); c.5027G>A, p.Arg1676His (NM_201381.3); c.5123G>A, p.Arg1708His (NM_201382.4); c.5135G>A, p.Arg1712His (NM_201383.3); short protein forms R1676H, R1686H, R1694H, R1708H, R1712H, R1735H, R1845H.
Identifiers: ClinVar variation 1018674 (VCV001018674.5), dbSNP rs781895453, ClinGen allele CA4926425.
Genomic context (GRCh38, chr8:143,924,806, plus strand): 5'-TGCTGCTCCCCCTGCTCCGTCTCGGCCCGCAGCCGGATCAACTCCTGCTCCGCGGCCAGG[C>T]GCTGCTGCGCGGTGCCTTCCGCCAGCTGCCGCTGCTTCTCCAGCTCTTGTTCAGCCAGCT-3'
Protein context (NP_958786.1, residues 1698-1718): RQLAEGTAQQ[Arg1708His]LAAEQELIRL